The following is an entry in ClinVar:

NM_022168.4(IFIH1):c.54C>G (p.Phe18Leu)

Gene: IFIH1 (interferon induced with helicase C domain 1; minus strand). Cytogenetic location: 2q24.2.
Variant type: single nucleotide variant.
Coding change: c.54C>G on transcript NM_022168.4 (MANE Select); coding-DNA position 54, C replaced by G.
Protein change: p.Phe18Leu; replaces phenylalanine 18 with leucine.
Molecular consequence: missense variant.
Genome position (GRCh38, 1-based): chr2:162,318,254, G>C on the plus strand (C>G on the coding strand, the complement: IFIH1 is on the minus strand). VCF-style: chr2-162318254-G-C. GRCh37 (hg19) VCF-style: chr2-163174764-G-C.
Other names: short protein forms F18L.
Identifiers: ClinVar variation 2946088 (VCV002946088.3), dbSNP rs2469006492, ClinGen allele CA349014736.

ClinVar aggregate classification (germline): Uncertain significance (1 of 4 stars; one submission).

Conditions:
Aicardi-Goutieres syndrome 7 (AGS7). Identifiers: Orphanet 51, MedGen C3888244, MONDO:0014367, OMIM 615846.
Singleton-Merten syndrome 1 (SGMRT1). Also called: Widened medullary cavities of bone, aortic calcification, abnormal dentition, and muscular weakness; Syndrome of widened medullary cavities of the metacarpals and phalanges, aortic calcification and abnormal dentition. Identifiers: Orphanet 85191, MedGen C4225427, MONDO:0024535, OMIM 182250.

Submission:

Labcorp Genetics (formerly Invitae), Labcorp
Classification: Uncertain significance for Aicardi-Goutieres syndrome 7; Singleton-Merten syndrome 1. Last evaluated: 2023-04-03. Review status: criteria provided, single submitter. Criteria: Invitae Variant Classification Sherloc (09022015). Collection method: clinical testing. Allele origin: germline.
Comment: In summary, the available evidence is currently insufficient to determine the role of this variant in disease. Therefore, it has been classified as a Variant of Uncertain Significance. Advanced modeling of protein sequence and biophysical properties (such as structural, functional, and spatial information, amino acid conservation, physicochemical variation, residue mobility, and thermodynamic stability) has been performed at Invitae for this missense variant, however the output from this modeling did not meet the statistical confidence thresholds required to predict the impact of this variant on IFIH1 protein function. This sequence change replaces phenylalanine, which is neutral and non-polar, with leucine, which is neutral and non-polar, at codon 18 of the IFIH1 protein (p.Phe18Leu). This variant has not been reported in the literature in individuals affected with IFIH1-related conditions. This variant is not present in population databases (gnomAD no frequency).